The following is an entry in ClinVar:

ClinVar aggregate classification (germline): Pathogenic (1 of 4 stars; one submission).

gnomAD v4.1: 4 of 1,565,306 alleles (0.00026%); highest among the groups gnomAD compares: Non-Finnish European, 0.00035%; no homozygotes.

Submission:

Labcorp Genetics (formerly Invitae), Labcorp
Classification: Pathogenic. Last evaluated: 2024-03-22. Review status: criteria provided, single submitter. Criteria: Invitae Variant Classification Sherloc (09022015). Collection method: clinical testing. Allele origin: germline.
Comment: This sequence change creates a premature translational stop signal (p.Gln24*) in the GPIHBP1 gene. It is expected to result in an absent or disrupted protein product. Loss-of-function variants in GPIHBP1 are known to be pathogenic (PMID: 21816778, 22008945). This variant is not present in population databases (gnomAD no frequency). This premature translational stop signal has been observed in individual(s) with dyslipidemia (PMID: 32041611). Algorithms developed to predict the effect of sequence changes on RNA splicing suggest that this variant may disrupt the consensus splice site. For these reasons, this variant has been classified as Pathogenic.

Literature cited by the submitters: PubMed 21816778; PubMed 22008945; PubMed 32041611.

NM_178172.6(GPIHBP1):c.70C>T (p.Gln24Ter)

Gene: GPIHBP1 (glycosylphosphatidylinositol anchored high density lipoprotein binding protein 1; plus strand). Cytogenetic location: 8q24.3.
Variant type: single nucleotide variant.
Coding change: c.70C>T on transcript NM_178172.6 (MANE Select); coding-DNA position 70, C replaced by T.
Protein change: p.Gln24Ter; replaces glutamine 24 with a stop codon.
Molecular consequence: nonsense.
Genome position (GRCh38, 1-based): chr8:143,213,839, C>T. VCF-style: chr8-143213839-C-T. GRCh37 (hg19) VCF-style: chr8-144295714-C-T.
Other names: c.70C>T, p.Gln24Ter (NM_001301772.2); short protein forms Q24*.
Identifiers: ClinVar variation 3677071 (VCV003677071.2).